The following is an entry in ClinVar:

NM_016333.4(SRRM2):c.6209G>T (p.Arg2070Ile)

Gene: SRRM2 (serine/arginine repetitive matrix 2; plus strand). Cytogenetic location: 16p13.3.
Variant type: single nucleotide variant.
Coding change: c.6209G>T on transcript NM_016333.4 (MANE Select); coding-DNA position 6209, G replaced by T.
Protein change: p.Arg2070Ile; replaces arginine 2070 with isoleucine.
Molecular consequence: missense variant.
Genome position (GRCh38, 1-based): chr16:2,766,737, G>T. VCF-style: chr16-2766737-G-T. GRCh37 (hg19) VCF-style: chr16-2816738-G-T.
Other names: short protein forms R2070I.
Identifiers: ClinVar variation 2574394 (VCV002574394.1), dbSNP rs2505613344, ClinGen allele CA394425398.

ClinVar aggregate classification (germline): Uncertain significance (1 of 4 stars; one submission).

Allele frequency attached by ClinVar (database versions not stated): gnomAD exomes below 0.00001.
gnomAD v4.1: 1 of 1,614,170 alleles (0.000062%); highest among the groups gnomAD compares: Non-Finnish European, 0.000085%; no homozygotes.

Submission:

GeneDx
Classification: Uncertain significance. Last evaluated: 2023-01-25. Review status: criteria provided, single submitter. Criteria: GeneDx Variant Classification Process June 2021. Collection method: clinical testing. Allele origin: germline. Affected: yes.
Comment: Not observed at significant frequency in large population cohorts (gnomAD); In silico analysis supports that this missense variant does not alter protein structure/function; Has not been previously published as pathogenic or benign to our knowledge